The following is an entry in ClinVar:

ClinVar aggregate classification (germline): Uncertain significance. Review status: criteria provided, multiple submitters, no conflicts (2 of 4 stars). 2 submissions from 2 submitters: Uncertain significance (2). Last evaluated 2023-11-22.

Conditions:
Hereditary cancer-predisposing syndrome. Also called: Neoplastic Syndromes, Hereditary; Hereditary neoplastic syndrome; Tumor predisposition; Hereditary Cancer Syndrome. Identifiers: Orphanet 140162, MedGen C0027672, MeSH D009386, MONDO:0015356.
DICER1-related tumor predisposition. Also called: DICER1 syndrome; DICER1-related pleuropulmonary blastoma cancer predisposition syndrome. Identifiers: Orphanet 284343, MedGen C3839822, MONDO:0100216.

Submissions (2):

Ambry Genetics
Classification: Uncertain significance for Hereditary cancer-predisposing syndrome. Last evaluated: 2023-11-22. Review status: criteria provided, single submitter. Criteria: Ambry Variant Classification Scheme 2023. Collection method: clinical testing. Allele origin: germline.
Comment: The c.1038_1040delGTT variant (also known as p.L346del) is located in coding exon 7 of the DICER1 gene. This variant results from an in-frame GTT deletion at nucleotide positions 1038 to 1040. This results in the in-frame deletion of a leucine at codon 346. This amino acid position is highly conserved in available vertebrate species. Since supporting evidence is limited at this time, the clinical significance of this alteration remains unclear.

Labcorp Genetics (formerly Invitae), Labcorp
Classification: Uncertain significance for DICER1-related tumor predisposition. Last evaluated: 2023-01-16. Review status: criteria provided, single submitter. Criteria: Invitae Variant Classification Sherloc (09022015). Collection method: clinical testing. Allele origin: germline.
Comment: Experimental studies and prediction algorithms are not available or were not evaluated, and the functional significance of this variant is currently unknown. ClinVar contains an entry for this variant (Variation ID: 840405). This variant has not been reported in the literature in individuals affected with DICER1-related conditions. This variant is not present in population databases (gnomAD no frequency). This variant, c.1038_1040del, results in the deletion of 1 amino acid(s) of the DICER1 protein (p.Leu346del), but otherwise preserves the integrity of the reading frame. In summary, the available evidence is currently insufficient to determine the role of this variant in disease. Therefore, it has been classified as a Variant of Uncertain Significance.

NM_177438.3(DICER1):c.1038_1040del (p.Leu346del)

Gene: DICER1 (dicer 1, ribonuclease III; minus strand). Cytogenetic location: 14q32.13.
Variant type: Deletion.
Coding change: c.1038_1040del on transcript NM_177438.3 (MANE Select); coding-DNA positions 1038 to 1040, 3 bases deleted (GTT; older notation c.1038_1040delGTT).
Protein change: p.Leu346del; deletes leucine 346.
Molecular consequence: inframe deletion.
Genome position (GRCh38, 1-based): chr14:95,124,532-95,124,534, AAC deleted on the plus strand (GTT on the coding strand, the reverse complement: DICER1 is on the minus strand); deleting any 3 consecutive bases within chr14:95,124,532-95,124,536 gives the same sequence; the c. name uses the placement nearest the transcript's 3' end. VCF-style (leftmost placement, unchanged base first): chr14-95124531-AAAC-A. GRCh37 (hg19) VCF-style: chr14-95590868-AAAC-A.
Other names: c.1038_1040del, p.Leu346del (NM_001195573.1, NM_001271282.3, NM_001291628.2 and 1 more transcripts); c.1038_1040delGTT (NM_177438.2); short protein forms L346del.
Identifiers: ClinVar variation 840405 (VCV000840405.12), dbSNP rs1893231745, ClinGen allele CA916081746.